The following is an entry in ClinVar:

ClinVar aggregate classification (germline): Uncertain significance (1 of 4 stars; one submission).

Conditions:
Holocarboxylase synthetase deficiency. Also called: MULTIPLE CARBOXYLASE DEFICIENCY, EARLY ONSET. Identifiers: Orphanet 79242, MedGen C0268581, MONDO:0009666, OMIM 253270.

Submission:

Labcorp Genetics (formerly Invitae), Labcorp
Classification: Uncertain significance for Holocarboxylase synthetase deficiency. Last evaluated: 2022-07-12. Review status: criteria provided, single submitter. Criteria: Invitae Variant Classification Sherloc (09022015). Collection method: clinical testing. Allele origin: germline.
Comment: Advanced modeling of protein sequence and biophysical properties (such as structural, functional, and spatial information, amino acid conservation, physicochemical variation, residue mobility, and thermodynamic stability) performed at Invitae indicates that this missense variant is expected to disrupt HLCS protein function. In summary, the available evidence is currently insufficient to determine the role of this variant in disease. Therefore, it has been classified as a Variant of Uncertain Significance. ClinVar contains an entry for this variant (Variation ID: 852810). This variant has not been reported in the literature in individuals affected with HLCS-related conditions. This variant is not present in population databases (gnomAD no frequency). This sequence change replaces glycine, which is neutral and non-polar, with valine, which is neutral and non-polar, at codon 494 of the HLCS protein (p.Gly494Val).

NM_001352514.2(HLCS):c.1922G>T (p.Gly641Val)

Gene: HLCS (holocarboxylase synthetase; minus strand). Cytogenetic location: 21q22.13.
Variant type: single nucleotide variant.
Coding change: c.1922G>T on transcript NM_001352514.2 (MANE Select); coding-DNA position 1922, G replaced by T.
Protein change: p.Gly641Val; replaces glycine 641 with valine.
Molecular consequence: missense variant. On other transcripts: non-coding transcript variant (2).
Genome position (GRCh38, 1-based): chr21:36,767,256, C>A on the plus strand (G>T on the coding strand, the complement: HLCS is on the minus strand). VCF-style: chr21-36767256-C-A. GRCh37 (hg19) VCF-style: chr21-38139557-C-A.
Other names: c.1481G>T, p.Gly494Val (NM_000411.8, NM_001242784.3, NM_001242785.2 and 4 more transcripts); short protein forms G494V, G641V.
Identifiers: ClinVar variation 852810 (VCV000852810.9), dbSNP rs1173267062, ClinGen allele CA409921894.